The following is an entry in ClinVar:

ClinVar aggregate classification (germline): Uncertain significance (1 of 4 stars; one submission).

Conditions:
Cardiovascular phenotype. Identifiers: MedGen CN230736.

Allele frequency attached by ClinVar (database versions not stated): gnomAD 0.00001; TOPMed 0.00001.

Submission:

Ambry Genetics
Classification: Uncertain significance for Cardiovascular phenotype. Last evaluated: 2022-08-09. Review status: criteria provided, single submitter. Criteria: Ambry Variant Classification Scheme 2023. Collection method: clinical testing. Allele origin: germline.
Comment: The c.2238-5T>C intronic variant results from a T to C substitution 5 nucleotides upstream from coding exon 18 in the ABCC9 gene. This nucleotide position is highly conserved in available vertebrate species. In silico splice site analysis for this alteration is inconclusive. Since supporting evidence is limited at this time, the clinical significance of this alteration remains unclear.

NM_020297.4(ABCC9):c.2238-5T>C

Gene: ABCC9 (ATP binding cassette subfamily C member 9; minus strand). Cytogenetic location: 12p12.1.
Variant type: single nucleotide variant.
Coding change: c.2238-5T>C on transcript NM_020297.4 (MANE Select); 5 bases into the intron before coding-DNA position 2238, T replaced by C.
Molecular consequence: intron variant.
Genome position (GRCh38, 1-based): chr12:21,863,059, A>G on the plus strand (T>C on the coding strand, the complement: ABCC9 is on the minus strand). VCF-style: chr12-21863059-A-G. GRCh37 (hg19) VCF-style: chr12-22015993-A-G.
Other names: c.1374-8T>C (NM_001377274.1); c.2238-5T>C (NM_005691.4, NM_001377273.1).
Identifiers: ClinVar variation 1788213 (VCV001788213.2), dbSNP rs1350983402, ClinGen allele CA603667508.
Genomic context (GRCh38, chr12:21,863,059, plus strand): 5'-TAGCATTTAATAGCCAAGGCTTTTGAGCTGCATATGCCACAGAGTACCTGTTCCTACTGA[A>G]AAATGAAAAAGAAAAAAAAAAACACCAGGATTATGCAAAGGTACTGTGCGTGTATGTATT-3'